The following is an entry in ClinVar:

NC_000014.8:g.(?_67431888)_(67525523_?)dup

Gene: GPHN (gephyrin; plus strand). Cytogenetic location: 14q23.3.
Variant type: Duplication.
Identifiers: ClinVar variation 1523133 (VCV001523133.4).

ClinVar aggregate classification (germline): Likely pathogenic (1 of 4 stars; one submission).

Conditions:
Sulfite oxidase deficiency due to molybdenum cofactor deficiency type C. Also called: Molybdenum cofactor deficiency, complementation group C; Molybdenum cofactor deficiency C. Identifiers: Orphanet 308400, Orphanet 833, MedGen C1854990, MONDO:0014212, OMIM 615501.

Submission:

Labcorp Genetics (formerly Invitae), Labcorp
Classification: Likely pathogenic for Sulfite oxidase deficiency due to molybdenum cofactor deficiency type C. Last evaluated: 2021-06-28. Review status: criteria provided, single submitter. Criteria: Invitae Variant Classification Sherloc (09022015). Collection method: clinical testing. Allele origin: germline.
Comment: In summary, the currently available evidence indicates that the variant is pathogenic, but additional data are needed to prove that conclusively. Therefore, this variant has been classified as Likely Pathogenic. This variant has not been reported in the literature in individuals affected with GPHN-related conditions. This variant results in a copy number gain of the genomic region encompassing exon(s) 9-11 of the GPHN gene. While the exact position of this variant cannot be determined from the data, sub-genic copy number gains are generally in tandem (PMID: 25640679). This variant is predicted to be out-of-frame, and may result in an absent or disrupted protein product. Loss-of-function variants in GPHN are known to be pathogenic (PMID: 11095995, 23184456, 23393157).

Literature cited by the submitters: PubMed 25640679; PubMed 11095995; PubMed 23184456; PubMed 23393157.